The following is an entry in ClinVar:

NM_001008216.2(GALE):c.688T>C (p.Tyr230His)

Gene: GALE (UDP-galactose-4-epimerase; minus strand). Cytogenetic location: 1p36.11.
Variant type: single nucleotide variant.
Coding change: c.688T>C on transcript NM_001008216.2 (MANE Select); coding-DNA position 688, T replaced by C.
Protein change: p.Tyr230His; replaces tyrosine 230 with histidine.
Molecular consequence: missense variant.
Genome position (GRCh38, 1-based): chr1:23,796,897, A>G on the plus strand (T>C on the coding strand, the complement: GALE is on the minus strand). VCF-style: chr1-23796897-A-G. GRCh37 (hg19) VCF-style: chr1-24123387-A-G.
Other names: c.688T>C, p.Tyr230His (NM_000403.4, NM_001127621.2); short protein forms Y230H.
Identifiers: ClinVar variation 4992252 (VCV004992252.1).

ClinVar aggregate classification (germline): Uncertain significance (1 of 4 stars; one submission).

Conditions:
GALE-related disorder. Also called: GALE-related condition.

gnomAD v4.1: 8 of 1,613,770 alleles (0.0005%); highest among the groups gnomAD compares: Non-Finnish European, 0.00051%; no homozygotes.

Submission:

PreventionGenetics, part of Exact Sciences
Classification: Uncertain significance for GALE-related condition. Last evaluated: 2026-07-21. Review status: criteria provided, single submitter. Criteria: ACMG Guidelines, 2015. Collection method: clinical testing. Allele origin: germline.
Comment: The GALE c.688T>C variant is predicted to result in the amino acid substitution p.Tyr230His. To our knowledge, this variant has not been reported in the literature or in a large population database (gnomAD), indicating this variant is rare. At this time, the clinical significance of this variant is uncertain due to the absence of conclusive functional and genetic evidence.